The following is an entry in ClinVar:

ClinVar aggregate classification (germline): Uncertain significance. Review status: criteria provided, multiple submitters, no conflicts (2 of 4 stars). 2 submissions from 2 submitters: Uncertain significance (2). Last evaluated 2025-02-07.

Conditions:
Hereditary cancer-predisposing syndrome. Also called: Neoplastic Syndromes, Hereditary; Tumor predisposition; Hereditary Cancer Syndrome; Hereditary neoplastic syndrome. Identifiers: Orphanet 140162, MedGen C0027672, MeSH D009386, MONDO:0015356.

Allele frequency attached by ClinVar (database versions not stated): ExAC 0.00001.
gnomAD v4.1: 7 of 1,612,906 alleles (0.00043%); highest among the groups gnomAD compares: South Asian, 0.0022%; no homozygotes.

Submissions (2):

Ambry Genetics
Classification: Uncertain significance for Hereditary cancer-predisposing syndrome. Last evaluated: 2025-02-07. Review status: criteria provided, single submitter. Criteria: Ambry Variant Classification Scheme 2023. Collection method: clinical testing. Allele origin: germline.
Comment: The p.K136R variant (also known as c.407A>G), located in coding exon 5 of the POLE gene, results from an A to G substitution at nucleotide position 407. The lysine at codon 136 is replaced by arginine, an amino acid with highly similar properties. This amino acid position is highly conserved in available vertebrate species. In addition, this alteration is predicted to be tolerated by in silico analysis. Based on the available evidence, the clinical significance of this variant remains unclear.

Labcorp Genetics (formerly Invitae), Labcorp
Classification: Uncertain significance. Last evaluated: 2024-12-21. Review status: criteria provided, single submitter. Criteria: Invitae Variant Classification Sherloc (09022015). Collection method: clinical testing. Allele origin: germline.
Comment: This sequence change replaces lysine, which is basic and polar, with arginine, which is basic and polar, at codon 136 of the POLE protein (p.Lys136Arg). This variant is present in population databases (rs752771738, gnomAD 0.003%). This variant has not been reported in the literature in individuals affected with POLE-related conditions. ClinVar contains an entry for this variant (Variation ID: 473638). Invitae Evidence Modeling of protein sequence and biophysical properties (such as structural, functional, and spatial information, amino acid conservation, physicochemical variation, residue mobility, and thermodynamic stability) indicates that this missense variant is not expected to disrupt POLE protein function with a negative predictive value of 80%. In summary, the available evidence is currently insufficient to determine the role of this variant in disease. Therefore, it has been classified as a Variant of Uncertain Significance.

NM_006231.4(POLE):c.407A>G (p.Lys136Arg)

Gene: POLE (DNA polymerase epsilon, catalytic subunit; minus strand). Cytogenetic location: 12q24.33.
Variant type: single nucleotide variant.
Coding change: c.407A>G on transcript NM_006231.4 (MANE Select); coding-DNA position 407, A replaced by G.
Protein change: p.Lys136Arg; replaces lysine 136 with arginine.
Molecular consequence: missense variant.
Genome position (GRCh38, 1-based): chr12:132,679,970, T>C on the plus strand (A>G on the coding strand, the complement: POLE is on the minus strand). VCF-style: chr12-132679970-T-C. GRCh37 (hg19) VCF-style: chr12-133256556-T-C.
Other names: c.407A>G (NM_006231.2); short protein forms K136R.
Identifiers: ClinVar variation 473638 (VCV000473638.9), dbSNP rs752771738, ClinGen allele CA6894334.